The following is an entry in ClinVar:

NM_001039141.3(TRIOBP):c.2297dup (p.Asn767fs)

Gene: TRIOBP (TRIO and F-actin binding protein; plus strand). Cytogenetic location: 22q13.1.
Variant type: Duplication.
Coding change: c.2297dup on transcript NM_001039141.3 (MANE Select); coding-DNA position 2297, one base duplicated (A; older notation c.2297dupA).
Protein change: p.Asn767fs; shifts the reading frame from asparagine 767.
Molecular consequence: frameshift variant.
Genome position (GRCh38, 1-based): chr22:37,724,853, A duplicated. VCF-style (leftmost placement, unchanged base first): chr22-37724852-G-GA. GRCh37 (hg19) VCF-style: chr22-38120859-G-GA.
Other names: short protein forms N767fs.
Identifiers: ClinVar variation 1064921 (VCV001064921.3), dbSNP rs2145833923, ClinGen allele CA2499226182.

ClinVar aggregate classification (germline): Uncertain significance (1 of 4 stars; one submission).

Conditions:
Hearing impairment. Also called: Impaired Hearing. Identifiers: MedGen C1384666, MONDO:0005365, HP:0000365.

Submission:

Department of Otolaryngology – Head & Neck Surgery, Cochlear Implant Center
Classification: Uncertain significance for Hearing impairment. Last evaluated: 2021-04-12. Review status: criteria provided, single submitter. Criteria: ClinGen HL ACMG Specifications v1. Collection method: clinical testing. Allele origin: germline. Affected: yes.
Comment: PM2_Moderate, BP4_Supporting